The following is an entry in ClinVar:

ClinVar aggregate classification (germline): Uncertain significance. Review status: criteria provided, multiple submitters, no conflicts (2 of 4 stars). 3 submissions from 3 submitters: Uncertain significance (3). Last evaluated 2026-06-23.

Conditions:
PLXNA2-related disorder. Also called: PLXNA2-related condition.

Allele frequency attached by ClinVar (database versions not stated): gnomAD 0.00001; gnomAD exomes 0.00001; ExAC 0.00002; TOPMed 0.00003.
gnomAD v4.1: 11 of 1,612,750 alleles (0.00068%); highest among the groups gnomAD compares: Admixed American, 0.0067%; no homozygotes.

Submissions (3):

PreventionGenetics, part of Exact Sciences
Classification: Uncertain significance for PLXNA2-related condition. Last evaluated: 2026-06-23. Review status: criteria provided, single submitter. Criteria: ACMG Guidelines, 2015. Collection method: clinical testing. Allele origin: germline.
Comment: The PLXNA2 c.2080C>T variant is predicted to result in the amino acid substitution p.Arg694Trp. To our knowledge, this variant has not been reported in the literature. This variant is reported in 0.0065% of alleles in individuals of South Asian descent in gnomAD. At this time, the clinical significance of this variant is uncertain due to the absence of conclusive functional and genetic evidence.

Ambry Genetics
Classification: Uncertain significance. Last evaluated: 2025-08-28. Review status: criteria provided, single submitter. Criteria: Ambry Variant Classification Scheme 2023. Collection method: clinical testing. Allele origin: germline.

Labcorp Genetics (formerly Invitae), Labcorp
Classification: Uncertain significance. Last evaluated: 2023-11-03. Review status: criteria provided, single submitter. Criteria: Invitae Variant Classification Sherloc (09022015). Collection method: clinical testing. Allele origin: germline.
Comment: This sequence change replaces arginine, which is basic and polar, with tryptophan, which is neutral and slightly polar, at codon 694 of the PLXNA2 protein (p.Arg694Trp). This variant is present in population databases (rs760945204, gnomAD 0.007%). This variant has not been reported in the literature in individuals affected with PLXNA2-related conditions. Advanced modeling of protein sequence and biophysical properties (such as structural, functional, and spatial information, amino acid conservation, physicochemical variation, residue mobility, and thermodynamic stability) performed at Invitae indicates that this missense variant is expected to disrupt PLXNA2 protein function with a positive predictive value of 80%. In summary, the available evidence is currently insufficient to determine the role of this variant in disease. Therefore, it has been classified as a Variant of Uncertain Significance.

NM_025179.4(PLXNA2):c.2080C>T (p.Arg694Trp)

Gene: PLXNA2 (plexin A2; minus strand). Cytogenetic location: 1q32.2.
Variant type: single nucleotide variant.
Coding change: c.2080C>T on transcript NM_025179.4 (MANE Select); coding-DNA position 2080, C replaced by T.
Protein change: p.Arg694Trp; replaces arginine 694 with tryptophan.
Molecular consequence: missense variant.
Genome position (GRCh38, 1-based): chr1:208,092,803, G>A on the plus strand (C>T on the coding strand, the complement: PLXNA2 is on the minus strand). VCF-style: chr1-208092803-G-A. GRCh37 (hg19) VCF-style: chr1-208266148-G-A.
Other names: c.2080C>T (NM_025179.3); short protein forms R694W.
Identifiers: ClinVar variation 2959933 (VCV002959933.7), dbSNP rs760945204, ClinGen allele CA1373637.